The following is an entry in ClinVar:

ClinVar aggregate classification (germline): Pathogenic (1 of 4 stars; one submission).

Conditions:
Hypertrophic cardiomyopathy. Also called: HYPERTROPHIC MYOCARDIOPATHY. Identifiers: Orphanet 217569, MedGen C0007194, MeSH D002312, MONDO:0005045, HP:0001639.

Submission:

Labcorp Genetics (formerly Invitae), Labcorp
Classification: Pathogenic for Hypertrophic cardiomyopathy. Last evaluated: 2022-12-16. Review status: criteria provided, single submitter. Criteria: Invitae Variant Classification Sherloc (09022015). Collection method: clinical testing. Allele origin: germline.
Comment: This sequence change creates a premature translational stop signal (p.Cys651*) in the MYBPC3 gene. It is expected to result in an absent or disrupted protein product. Loss-of-function variants in MYBPC3 are known to be pathogenic (PMID: 19574547). This variant is not present in population databases (gnomAD no frequency). This variant has not been reported in the literature in individuals affected with MYBPC3-related conditions. ClinVar contains an entry for this variant (Variation ID: 1389170). For these reasons, this variant has been classified as Pathogenic.

Literature cited by the submitters: PubMed 19574547.

NM_000256.3(MYBPC3):c.1953C>A (p.Cys651Ter)

Gene: MYBPC3 (myosin binding protein C3; minus strand). Cytogenetic location: 11p11.2.
Variant type: single nucleotide variant.
Coding change: c.1953C>A on transcript NM_000256.3 (MANE Select); coding-DNA position 1953, C replaced by A.
Protein change: p.Cys651Ter; replaces cysteine 651 with a stop codon.
Molecular consequence: nonsense.
Genome position (GRCh38, 1-based): chr11:47,339,765, G>T on the plus strand (C>A on the coding strand, the complement: MYBPC3 is on the minus strand). VCF-style: chr11-47339765-G-T. GRCh37 (hg19) VCF-style: chr11-47361316-G-T.
Other names: short protein forms C651*.
Identifiers: ClinVar variation 1389170 (VCV001389170.6), dbSNP rs936188645, ClinGen allele CA380321962.